The following is an entry in ClinVar:

NM_006017.3(PROM1):c.599A>G (p.Asp200Gly)

Gene: PROM1 (prominin 1; minus strand). Cytogenetic location: 4p15.32.
Variant type: single nucleotide variant.
Coding change: c.599A>G on transcript NM_006017.3 (MANE Select); coding-DNA position 599, A replaced by G.
Protein change: p.Asp200Gly; replaces aspartic acid 200 with glycine.
Molecular consequence: missense variant.
Genome position (GRCh38, 1-based): chr4:16,025,223, T>C on the plus strand (A>G on the coding strand, the complement: PROM1 is on the minus strand). VCF-style: chr4-16025223-T-C. GRCh37 (hg19) VCF-style: chr4-16026846-T-C.
Other names: c.572A>G, p.Asp191Gly (NM_001145847.2, NM_001145848.2, NM_001145851.2 and 4 more transcripts); c.599A>G, p.Asp200Gly (NM_001145849.2, NM_001145850.2); short protein forms D191G, D200G.
Identifiers: ClinVar variation 1318714 (VCV001318714.2), dbSNP rs765051915, ClinGen allele CA356424601.

ClinVar aggregate classification (germline): Uncertain significance (1 of 4 stars; one submission).

gnomAD v4.1: 1 of 1,613,928 alleles (0.000062%); no homozygotes.

Submission:

GeneDx
Classification: Uncertain significance. Last evaluated: 2019-08-13. Review status: criteria provided, single submitter. Criteria: GeneDx Variant Classification Process June 2021. Collection method: clinical testing. Allele origin: germline. Affected: yes.
Comment: Not observed in large population cohorts (Lek et al., 2016); In silico analysis, which includes protein predictors and evolutionary conservation, supports a deleterious effect; Has not been previously published as pathogenic or benign to our knowledge